The following is an entry in ClinVar:

ClinVar aggregate classification (germline): Uncertain significance (1 of 4 stars; one submission).

Conditions:
Microcephaly 4, primary, autosomal recessive. Identifiers: Orphanet 2512, MedGen C1858516, MONDO:0011437, OMIM 604321.

Allele frequency attached by ClinVar (database versions not stated): gnomAD 0.00001; gnomAD exomes 0.00001 and 0.00003; TOPMed 0.00001; ExAC 0.00003.
gnomAD v4.1: 11 of 1,456,504 alleles (0.00076%); highest among the groups gnomAD compares: Admixed American, 0.0084%; no homozygotes.

Submission:

Baylor Genetics
Classification: Uncertain significance for Microcephaly 4, primary, autosomal recessive. Last evaluated: 2018-12-06. Review status: criteria provided, single submitter. Criteria: ACMG Guidelines, 2015. Collection method: clinical testing. Allele origin: paternal. Affected: yes.
Comment: This variant was determined to be of uncertain significance according to ACMG Guidelines, 2015 [PMID:25741868].

NM_144508.5(KNL1):c.250+3A>G

Gene: KNL1 (kinetochore scaffold 1; plus strand). Cytogenetic location: 15q15.1.
Variant type: single nucleotide variant.
Coding change: c.250+3A>G on transcript NM_144508.5 (MANE Select); 3 bases into the intron after coding-DNA position 250, A replaced by G.
Molecular consequence: intron variant.
Genome position (GRCh38, 1-based): chr15:40,610,300, A>G. VCF-style: chr15-40610300-A-G. GRCh37 (hg19) VCF-style: chr15-40902498-A-G.
Other names: c.250+3A>G (NM_170589.5).
Identifiers: ClinVar variation 1033178 (VCV001033178.1), dbSNP rs768577383, ClinGen allele CA7482431.